The following is an entry in ClinVar:

ClinVar aggregate classification (germline): Uncertain significance (1 of 4 stars; one submission).

Conditions:
DICER1-related tumor predisposition. Also called: DICER1-related pleuropulmonary blastoma cancer predisposition syndrome; DICER1 syndrome. Identifiers: Orphanet 284343, MedGen C3839822, MONDO:0100216.

Submission:

Labcorp Genetics (formerly Invitae), Labcorp
Classification: Uncertain significance for DICER1-related tumor predisposition. Last evaluated: 2025-07-18. Review status: criteria provided, single submitter. Criteria: Invitae Variant Classification Sherloc (09022015). Collection method: clinical testing. Allele origin: germline.
Comment: This sequence change replaces glutamic acid, which is acidic and polar, with valine, which is neutral and non-polar, at codon 1532 of the DICER1 protein (p.Glu1532Val). This variant is not present in population databases (gnomAD no frequency). This variant has not been reported in the literature in individuals affected with DICER1-related conditions. Invitae Evidence Modeling of protein sequence and biophysical properties (such as structural, functional, and spatial information, amino acid conservation, physicochemical variation, residue mobility, and thermodynamic stability) indicates that this missense variant is not expected to disrupt DICER1 protein function with a negative predictive value of 95%. In summary, the available evidence is currently insufficient to determine the role of this variant in disease. Therefore, it has been classified as a Variant of Uncertain Significance.

NM_177438.3(DICER1):c.4595A>T (p.Glu1532Val)

Gene: DICER1 (dicer 1, ribonuclease III; minus strand). Cytogenetic location: 14q32.13.
Variant type: single nucleotide variant.
Coding change: c.4595A>T on transcript NM_177438.3 (MANE Select); coding-DNA position 4595, A replaced by T.
Protein change: p.Glu1532Val; replaces glutamic acid 1532 with valine.
Molecular consequence: missense variant. On other transcripts: non-coding transcript variant (6).
Genome position (GRCh38, 1-based): chr14:95,096,325, T>A on the plus strand (A>T on the coding strand, the complement: DICER1 is on the minus strand). VCF-style: chr14-95096325-T-A. GRCh37 (hg19) VCF-style: chr14-95562662-T-A.
Other names: c.4595A>T, p.Glu1532Val (NM_001195573.1, NM_001271282.3, NM_001291628.2 and 12 more transcripts); c.4313A>T, p.Glu1438Val (NM_001395686.1); c.4190A>T, p.Glu1397Val (NM_001395687.1, NM_001395688.1, NM_001395689.1 and 2 more transcripts); c.4028A>T, p.Glu1343Val (NM_001395691.1); c.2912A>T, p.Glu971Val (NM_001395697.1); short protein forms E1397V, E971V, E1438V, E1343V, E1532V.
Identifiers: ClinVar variation 4746766 (VCV004746766.1).
Genomic context (GRCh38, chr14:95,096,325, plus strand): 5'-TGCTCAGTGTGCAAGTCGTAAGAAATGGACTGCTTTCCCGTGTCAACACCACAGTTTTCT[T>A]CTGATGGATTCCAGAACCCCACCACAAAGTCATCTTCTTCAACAGCTTTGCTAGGATCCA-3'
Protein context (NP_803187.1, residues 1522-1542): DFVVGFWNPS[Glu1532Val]ENCGVDTGKQ